The following is an entry in ClinVar:

NM_144643.4(SCLT1):c.1876C>T (p.Gln626Ter)

Gene: SCLT1 (sodium channel and clathrin linker 1; minus strand). Cytogenetic location: 4q28.2.
Variant type: single nucleotide variant.
Coding change: c.1876C>T on transcript NM_144643.4 (MANE Select); coding-DNA position 1876, C replaced by T.
Protein change: p.Gln626Ter; replaces glutamine 626 with a stop codon.
Molecular consequence: nonsense.
Genome position (GRCh38, 1-based): chr4:128,891,091, G>A on the plus strand (C>T on the coding strand, the complement: SCLT1 is on the minus strand). VCF-style: chr4-128891091-G-A. GRCh37 (hg19) VCF-style: chr4-129812246-G-A.
Other names: short protein forms Q626*.
Identifiers: ClinVar variation 1950972 (VCV001950972.5), dbSNP rs1479099522, ClinGen allele CA358188220.
Genomic context (GRCh38, chr4:128,891,091, plus strand): 5'-GCACTTCCCAGGGGAGTCATTATCTCACCTCAGCTACCTTTTCATTTGCCATTTCCAGCT[G>A]AGAAAGCAGCTCTTGGGTATGAAGTTTCTGTCGACTCAGCTCACTCCTATTAAGAGCACC-3'

ClinVar aggregate classification (germline): Pathogenic (1 of 4 stars; one submission).

Allele frequency attached by ClinVar (database versions not stated): gnomAD 0.00001; gnomAD exomes 0.00001; TOPMed 0.00002.
gnomAD v4.1: 7 of 1,612,910 alleles (0.00043%); highest among the groups gnomAD compares: Non-Finnish European, 0.00059%; no homozygotes.

Submission:

Labcorp Genetics (formerly Invitae), Labcorp
Classification: Pathogenic. Last evaluated: 2024-02-23. Review status: criteria provided, single submitter. Criteria: Invitae Variant Classification Sherloc (09022015). Collection method: clinical testing. Allele origin: germline.
Comment: This sequence change creates a premature translational stop signal (p.Gln626*) in the SCLT1 gene. It is expected to result in an absent or disrupted protein product. Loss-of-function variants in SCLT1 are known to be pathogenic (PMID: 28005958). This variant is not present in population databases (gnomAD no frequency). This variant has not been reported in the literature in individuals affected with SCLT1-related conditions. ClinVar contains an entry for this variant (Variation ID: 1950972). Algorithms developed to predict the effect of sequence changes on RNA splicing suggest that this variant may disrupt the consensus splice site. For these reasons, this variant has been classified as Pathogenic.

Literature cited by the submitters: PubMed 28005958.